The following is an entry in ClinVar:

NM_133642.5(LARGE1):c.1016A>G (p.Asn339Ser)

Gene: LARGE1 (LARGE xylosyl- and glucuronyltransferase 1; minus strand). Cytogenetic location: 22q12.3.
Variant type: single nucleotide variant.
Coding change: c.1016A>G on transcript NM_133642.5 (MANE Select); coding-DNA position 1016, A replaced by G.
Protein change: p.Asn339Ser; replaces asparagine 339 with serine.
Molecular consequence: missense variant.
Genome position (GRCh38, 1-based): chr22:33,382,034, T>C on the plus strand (A>G on the coding strand, the complement: LARGE1 is on the minus strand). VCF-style: chr22-33382034-T-C. GRCh37 (hg19) VCF-style: chr22-33778020-T-C.
Other names: c.1016A>G, p.Asn339Ser (NM_001362949.2, NM_001362951.2, NM_001362953.2 and 7 more transcripts); c.413A>G, p.Asn138Ser (NM_001378630.1, NM_001378631.1); short protein forms N339S, N138S.
Identifiers: ClinVar variation 2024076 (VCV002024076.4), dbSNP rs2546914646, ClinGen allele CA411544979.

ClinVar aggregate classification (germline): Uncertain significance (1 of 4 stars; one submission).

Conditions:
Muscular dystrophy-dystroglycanopathy type B6 (MDDGB6). Also called: MUSCULAR DYSTROPHY-DYSTROGLYCANOPATHY (CONGENITAL WITH IMPAIRED INTELLECTUAL DEVELOPMENT), TYPE B, 6; MUSCULAR DYSTROPHY, CONGENITAL, LARGE-RELATED; MUSCULAR DYSTROPHY, CONGENITAL, TYPE 1D. Identifiers: MedGen C1837229, MONDO:0012138, OMIM 608840.

Allele frequency attached by ClinVar (database versions not stated): gnomAD exomes below 0.00001.
gnomAD v4.1: 4 of 1,614,036 alleles (0.00025%); highest among the groups gnomAD compares: Non-Finnish European, 0.00025%; no homozygotes.

Submission:

Labcorp Genetics (formerly Invitae), Labcorp
Classification: Uncertain significance for Muscular dystrophy-dystroglycanopathy type B6. Last evaluated: 2024-02-24. Review status: criteria provided, single submitter. Criteria: Invitae Variant Classification Sherloc (09022015). Collection method: clinical testing. Allele origin: germline.
Comment: This sequence change replaces asparagine, which is neutral and polar, with serine, which is neutral and polar, at codon 339 of the LARGE1 protein (p.Asn339Ser). This variant is not present in population databases (gnomAD no frequency). This variant has not been reported in the literature in individuals affected with LARGE1-related conditions. ClinVar contains an entry for this variant (Variation ID: 2024076). Advanced modeling of protein sequence and biophysical properties (such as structural, functional, and spatial information, amino acid conservation, physicochemical variation, residue mobility, and thermodynamic stability) performed at Invitae indicates that this missense variant is expected to disrupt LARGE1 protein function with a positive predictive value of 80%. In summary, the available evidence is currently insufficient to determine the role of this variant in disease. Therefore, it has been classified as a Variant of Uncertain Significance.